The following is an entry in ClinVar:

ClinVar aggregate classification (germline): Uncertain significance (1 of 4 stars; one submission).

Conditions:
Periodic fever-infantile enterocolitis-autoinflammatory syndrome. Also called: Autoinflammation with infantile enterocolitis. Identifiers: Orphanet 436166, MedGen C4015067, MONDO:0014472, OMIM 616050.
Familial cold autoinflammatory syndrome 4 (FCAS4). Identifiers: Orphanet 47045, Orphanet 576349, MedGen C4015276, MONDO:0014498, OMIM 616115.

Submission:

Labcorp Genetics (formerly Invitae), Labcorp
Classification: Uncertain significance for Periodic fever-infantile enterocolitis-autoinflammatory syndrome; Familial cold autoinflammatory syndrome 4. Last evaluated: 2024-11-11. Review status: criteria provided, single submitter. Criteria: Invitae Variant Classification Sherloc (09022015). Collection method: clinical testing. Allele origin: germline.
Comment: This sequence change replaces phenylalanine, which is neutral and non-polar, with leucine, which is neutral and non-polar, at codon 578 of the NLRC4 protein (p.Phe578Leu). This variant is not present in population databases (gnomAD no frequency). This variant has not been reported in the literature in individuals affected with NLRC4-related conditions. ClinVar contains an entry for this variant (Variation ID: 576523). Invitae Evidence Modeling of protein sequence and biophysical properties (such as structural, functional, and spatial information, amino acid conservation, physicochemical variation, residue mobility, and thermodynamic stability) indicates that this missense variant is expected to disrupt NLRC4 protein function with a positive predictive value of 80%. In summary, the available evidence is currently insufficient to determine the role of this variant in disease. Therefore, it has been classified as a Variant of Uncertain Significance.

NM_001199138.2(NLRC4):c.1734C>A (p.Phe578Leu)

Gene: NLRC4 (NLR family CARD domain containing 4; minus strand). Cytogenetic location: 2p22.3.
Variant type: single nucleotide variant.
Coding change: c.1734C>A on transcript NM_001199138.2 (MANE Select); coding-DNA position 1734, C replaced by A.
Protein change: p.Phe578Leu; replaces phenylalanine 578 with leucine.
Molecular consequence: missense variant. On other transcripts: intron variant (1).
Genome position (GRCh38, 1-based): chr2:32,250,130, G>T on the plus strand (C>A on the coding strand, the complement: NLRC4 is on the minus strand). VCF-style: chr2-32250130-G-T. GRCh37 (hg19) VCF-style: chr2-32475199-G-T.
Other names: c.1734C>A, p.Phe578Leu (NM_001199139.2, NM_021209.5); c.262+2289C>A (NM_001302504.1); short protein forms F578L.
Identifiers: ClinVar variation 576523 (VCV000576523.8), dbSNP rs1558456920, ClinGen allele CA346511823.